The following is an entry in ClinVar:

ClinVar aggregate classification (germline): Likely benign (1 of 4 stars; one submission).

gnomAD v4.1: 2 of 1,614,142 alleles (0.00012%); highest among the groups gnomAD compares: Non-Finnish European, 0.00017%; no homozygotes.

Submission:

CeGaT Center for Human Genetics Tuebingen
Classification: Likely benign. Last evaluated: 2025-01-01. Review status: criteria provided, single submitter. Criteria: CeGaT Center For Human Genetics Tuebingen Variant Classification Criteria Version 2. Collection method: clinical testing. Allele origin: germline. Affected: yes. Observed: 1 variant allele.
Comment: PCDHGC4: BP4, BP7

NM_018928.3(PCDHGC4):c.318G>A (p.Leu106=)

Genes: PCDHG@ (protocadherin gamma cluster; plus strand), PCDHGA1 (protocadherin gamma subfamily A, 1; plus strand), PCDHGA10 (protocadherin gamma subfamily A, 10; plus strand), PCDHGA11 (protocadherin gamma subfamily A, 11; plus strand), PCDHGA12 (protocadherin gamma subfamily A, 12; plus strand) and 17 more. Cytogenetic location: 5q31.3.
Variant type: single nucleotide variant.
Coding change: c.318G>A on transcript NM_018928.3 (MANE Select); coding-DNA position 318, G replaced by A.
Protein change: p.Leu106=; no amino-acid change (leucine 106 retained).
Molecular consequence: synonymous variant. On other transcripts: intron variant (23).
Genome position (GRCh38, 1-based): chr5:141,485,491, G>A. VCF-style: chr5-141485491-G-A. GRCh37 (hg19) VCF-style: chr5-140865058-G-A.
Other names: c.318G>A, p.Leu106= (NM_032406.1); c.2422-9316G>A (NM_018912.3, NM_018923.3, NM_018918.3); c.2425-9316G>A (NM_018915.4, NM_018916.4, NM_018919.3 and 4 more transcripts); c.2410-9316G>A (NM_018922.3); c.2515-9316G>A (NM_018917.4); c.2416-9316G>A (NM_018924.5, NM_018927.4); c.2398-9316G>A (NM_003736.4, NM_018925.3); c.2419-9316G>A (NM_018926.3); and 6 more.
Identifiers: ClinVar variation 3772191 (VCV003772191.13).